The following is an entry in ClinVar:

ClinVar aggregate classification (germline): Uncertain significance (1 of 4 stars; one submission).

Conditions:
FLNA-related disorder.

Submission:

3billion
Classification: Uncertain significance for FLNA-related disorder. Last evaluated: 2025-08-04. Review status: criteria provided, single submitter. Criteria: ACMG Guidelines, 2015. Collection method: clinical testing. Allele origin: germline. Affected: yes.
Comment: The variant is not observed in the gnomAD v4.1.0 dataset. Predicted Consequence/Location: Missense variant In silico tool predictions suggest damaging effect of the variant on gene or gene product [REVEL: 0.65 (>=0.6, sensitivity 0.68 and specificity 0.92)]. Therefore, this variant is classified as VUS according to the recommendation of ACMG/AMP guideline.

NM_001110556.2(FLNA):c.3511G>A (p.Glu1171Lys)

Gene: FLNA (filamin A; minus strand). Cytogenetic location: Xq28.
Variant type: single nucleotide variant.
Coding change: c.3511G>A on transcript NM_001110556.2 (MANE Select); coding-DNA position 3511, G replaced by A.
Protein change: p.Glu1171Lys; replaces glutamic acid 1171 with lysine.
Molecular consequence: missense variant.
Genome position (GRCh38, 1-based): chrX:154,360,284, C>T on the plus strand (G>A on the coding strand, the complement: FLNA is on the minus strand). VCF-style: chrX-154360284-C-T. GRCh37 (hg19) VCF-style: chrX-153588652-C-T.
Other names: c.3511G>A, p.Glu1171Lys (NM_001456.4); short protein forms E1171K.
Identifiers: ClinVar variation 4854365 (VCV004854365.1).